The following is an entry in ClinVar:

ClinVar aggregate classification (germline): Conflicting classifications of pathogenicity. Review status: criteria provided, conflicting classifications (1 of 4 stars). 5 submissions from 5 submitters: Uncertain significance (2); Likely benign (2). 1 of the submissions does not count toward it. Last evaluated 2026-09-22.

Conditions:
Inborn genetic diseases. Identifiers: MedGen C0950123, MeSH D030342.
Retinal dystrophy. Also called: Inherited retinal dystrophy. Identifiers: Orphanet 71862, MedGen C0854723, MeSH D058499, MONDO:0019118, HP:0000556.
SCAPER-related disorder. Also called: SCAPER-related condition.
Intellectual developmental disorder and retinitis pigmentosa; IDDRP. Also called: INTELLECTUAL DEVELOPMENTAL DISORDER AND RETINITIS PIGMENTOSA. Identifiers: MedGen C4748658, MONDO:0032594, OMIM 618195.

Allele frequency attached by ClinVar (database versions not stated): gnomAD exomes 0.00008; 1000 Genomes Project 30x 0.00016; ExAC 0.00016; 1000 Genomes Project 0.00020; gnomAD 0.00035; ESP Exome Variant Server 0.00040; TOPMed 0.00044.
gnomAD v4.1: 192 of 1,613,398 alleles (0.012%); highest among the groups gnomAD compares: Middle Eastern, 0.28%; no homozygotes.

Submissions (5):

PreventionGenetics, part of Exact Sciences
Classification: Uncertain significance for SCAPER-related condition. Last evaluated: 2026-09-22. Review status: criteria provided, single submitter. Criteria: ACMG Guidelines, 2015. Collection method: clinical testing. Allele origin: germline.
Comment: The SCAPER c.3449A>G variant is predicted to result in the amino acid substitution p.His1150Arg. To our knowledge, this variant has not been reported in the literature. This variant is reported in 0.079% of alleles in individuals of African descent in gnomAD. Although we suspect that this variant may be benign, at this time, the clinical significance of this variant is uncertain due to the absence of conclusive functional and genetic evidence.

3billion
Classification: Likely benign for Intellectual developmental disorder and retinitis pigmentosa; IDDRP. Last evaluated: 2024-09-20. Review status: criteria provided, single submitter. Criteria: ACMG Guidelines, 2015. Collection method: clinical testing. Allele origin: germline. Affected: no.
Comment: The homozygous variant was found in patients diagnosed with another variant in a different gene, with no symptoms related to the gene containing the homozygous variant.

Blueprint Genetics
Classification: Likely benign. Last evaluated: 2024-07-11. Review status: criteria provided, single submitter. Criteria: ACMG Guidelines, 2015. Collection method: clinical testing. Allele origin: germline.

Ambry Genetics
Classification: Uncertain significance for Inborn genetic diseases. Last evaluated: 2021-06-18. Review status: criteria provided, single submitter. Criteria: Ambry Variant Classification Scheme 2023. Collection method: clinical testing. Allele origin: germline.

Institute of Human Genetics, Univ. Regensburg, Univ. Regensburg
Classification: Uncertain significance for Retinal dystrophy. Last evaluated: 2023-01-01. Review status: no assertion criteria provided. Criteria: ACMG Guidelines, 2015. Collection method: clinical testing. Allele origin: germline. Affected: yes. Not counted in ClinVar's aggregate classification.

NM_020843.4(SCAPER):c.3431A>G (p.His1144Arg)

Gene: SCAPER (S-phase cyclin A associated protein in the ER; minus strand). Cytogenetic location: 15q24.3.
Variant type: single nucleotide variant.
Coding change: c.3431A>G on transcript NM_020843.4 (MANE Select); coding-DNA position 3431, A replaced by G.
Protein change: p.His1144Arg; replaces histidine 1144 with arginine.
Molecular consequence: missense variant. On other transcripts: non-coding transcript variant (1).
Genome position (GRCh38, 1-based): chr15:76,404,560, T>C on the plus strand (A>G on the coding strand, the complement: SCAPER is on the minus strand). VCF-style: chr15-76404560-T-C. GRCh37 (hg19) VCF-style: chr15-76696901-T-C.
Other names: c.3449A>G (NM_001353009.1); c.2693A>G, p.His898Arg (NM_001145923.2); c.3449A>G, p.His1150Arg (NM_001353009.2); c.3029A>G, p.His1010Arg (NM_001353010.2, NM_001353012.2); c.3047A>G, p.His1016Arg (NM_001353011.2); short protein forms H1010R, H1016R, H1144R, H898R, H1150R.
Identifiers: ClinVar variation 2400307 (VCV002400307.6), dbSNP rs137972092, ClinGen allele CA7674437.